The following is an entry in ClinVar:

ClinVar aggregate classification (germline): Uncertain significance (1 of 4 stars; one submission).

Allele frequency attached by ClinVar (database versions not stated): TOPMed below 0.00001.

Submission:

Labcorp Genetics (formerly Invitae), Labcorp
Classification: Uncertain significance. Last evaluated: 2022-07-05. Review status: criteria provided, single submitter. Criteria: Invitae Variant Classification Sherloc (09022015). Collection method: clinical testing. Allele origin: germline.
Comment: ClinVar contains an entry for this variant (Variation ID: 1353741). This variant has not been reported in the literature in individuals affected with PCSK1-related conditions. This variant is not present in population databases (gnomAD no frequency). This sequence change replaces proline, which is neutral and non-polar, with serine, which is neutral and polar, at codon 196 of the PCSK1 protein (p.Pro196Ser). Algorithms developed to predict the effect of missense changes on protein structure and function (SIFT, PolyPhen-2, Align-GVGD) all suggest that this variant is likely to be disruptive. In summary, the available evidence is currently insufficient to determine the role of this variant in disease. Therefore, it has been classified as a Variant of Uncertain Significance.

NM_000439.5(PCSK1):c.586C>T (p.Pro196Ser)

Genes: CAST (calpastatin; plus strand), PCSK1 (proprotein convertase subtilisin/kexin type 1; minus strand), LOC101929710 (uncharacterized LOC101929710; plus strand). Cytogenetic location: 5q15.
Variant type: single nucleotide variant.
Coding change: c.586C>T on transcript NM_000439.5 (MANE Select); coding-DNA position 586, C replaced by T.
Protein change: p.Pro196Ser; replaces proline 196 with serine.
Molecular consequence: missense variant.
Genome position (GRCh38, 1-based): chr5:96,421,914, G>A on the plus strand (C>T on the coding strand, the complement: PCSK1 is on the minus strand). VCF-style: chr5-96421914-G-A. GRCh37 (hg19) VCF-style: chr5-95757618-G-A.
Other names: c.445C>T, p.Pro149Ser (NM_001177875.2); short protein forms P149S, P196S.
Identifiers: ClinVar variation 1353741 (VCV001353741.6), dbSNP rs1761140198, ClinGen allele CA360483642.